The following is an entry in ClinVar:

ClinVar aggregate classification (germline): Pathogenic (1 of 4 stars; one submission).

Conditions:
Stickler syndrome. Identifiers: Orphanet 828, MedGen C0265253, MONDO:0019354.

Submission:

Cambridge Genomics Laboratory, East Genomic Laboratory Hub, NHS Genomic Medicine Service
Classification: Pathogenic for Stickler syndrome. Last evaluated: 2025-10-23. Review status: criteria provided, single submitter. Criteria: ACGS Best Practice Guidelines for Variant Classification in Rare Disease 2020. Collection method: clinical testing. Allele origin: germline. Affected: yes.
Comment: PVS1,PM2

NM_001844.5(COL2A1):c.1064_1067dup (p.Gly357fs)

Gene: COL2A1 (collagen type II alpha 1 chain; minus strand). Cytogenetic location: 12q13.11.
Variant type: Duplication.
Coding change: c.1064_1067dup on transcript NM_001844.5 (MANE Select); coding-DNA positions 1064 to 1067, 4 bases duplicated (CTCC; older notation c.1064_1067dupCTCC).
Protein change: p.Gly357fs; shifts the reading frame from glycine 357.
Molecular consequence: frameshift variant.
Genome position (GRCh38, 1-based): chr12:47,989,762-47,989,765, GGAG duplicated on the plus strand (CTCC on the coding strand, the reverse complement: COL2A1 is on the minus strand); duplicating any 4 consecutive bases within chr12:47,989,762-47,989,766 gives the same sequence; the c. name uses the placement nearest the transcript's 3' end. VCF-style (leftmost placement, unchanged base first): chr12-47989761-C-CGGAG. GRCh37 (hg19) VCF-style: chr12-48383544-C-CGGAG.
Other names: c.857_860dup, p.Gly288fs (NM_033150.3); short protein forms G288fs, G357fs.
Identifiers: ClinVar variation 4540603 (VCV004540603.1).